The following is an entry in ClinVar:

ClinVar aggregate classification (germline): Benign/Likely benign. Review status: criteria provided, multiple submitters, no conflicts (2 of 4 stars). 3 submissions from 3 submitters: Benign (1); Likely benign (2). Last evaluated 2026-06-23.

Conditions:
Retinoblastoma (RB1). Also called: RETINOBLASTOMA, SOMATIC. Identifiers: Orphanet 790, MedGen C0035335, MeSH D012175, MONDO:0008380, OMIM 180200, HP:0009919. Disease mechanism: loss of function. Inheritance: Both sporadic and heritable forms are tested..
Hereditary cancer-predisposing syndrome. Also called: Neoplastic Syndromes, Hereditary; Tumor predisposition; Hereditary neoplastic syndrome; Hereditary Cancer Syndrome. Identifiers: Orphanet 140162, MedGen C0027672, MeSH D009386, MONDO:0015356.

Submissions (3):

Myriad Genetics, Inc.
Classification: Benign for Retinoblastoma. Last evaluated: 2026-06-23. Review status: criteria provided, single submitter. Criteria: Myriad Autosomal Dominant, Autosomal Recessive and X-Linked Classification Criteria (2023). Collection method: clinical testing. Allele origin: unknown.
Comment: This variant is considered benign. This variant is a silent/synonymous amino acid change and it is not expected to impact splicing.

Labcorp Genetics (formerly Invitae), Labcorp
Classification: Likely benign for Retinoblastoma. Last evaluated: 2023-11-21. Review status: criteria provided, single submitter. Criteria: Invitae Variant Classification Sherloc (09022015). Collection method: clinical testing. Allele origin: germline.

Ambry Genetics
Classification: Likely benign for Hereditary cancer-predisposing syndrome. Last evaluated: 2021-12-08. Review status: criteria provided, single submitter. Criteria: Ambry Variant Classification Scheme 2023. Collection method: clinical testing. Allele origin: germline.

NM_000321.3(RB1):c.48C>T (p.Ala16=)

Gene: RB1 (RB transcriptional corepressor 1; plus strand). Cytogenetic location: 13q14.2.
Variant type: single nucleotide variant.
Coding change: c.48C>T on transcript NM_000321.3 (MANE Select); coding-DNA position 48, C replaced by T.
Protein change: p.Ala16=; no amino-acid change (alanine 16 retained).
Molecular consequence: synonymous variant.
Genome position (GRCh38, 1-based): chr13:48,303,960, C>T. VCF-style: chr13-48303960-C-T. GRCh37 (hg19) VCF-style: chr13-48878096-C-T.
Other names: c.48C>T, p.Ala16= (NM_001407165.1, NM_001407166.1, NM_001407167.1).
Identifiers: ClinVar variation 1743946 (VCV001743946.6), dbSNP rs2138027367, ClinGen allele CA483711600.